The following is an entry in ClinVar:

ClinVar aggregate classification (germline): Conflicting classifications of pathogenicity. Review status: criteria provided, conflicting classifications (1 of 4 stars). 2 submissions from 2 submitters: Uncertain significance (1); Likely benign (1). Last evaluated 2025-09-24.

Conditions:
Hereditary cancer-predisposing syndrome. Also called: Hereditary Cancer Syndrome; Hereditary neoplastic syndrome; Neoplastic Syndromes, Hereditary; Tumor predisposition. Identifiers: Orphanet 140162, MedGen C0027672, MeSH D009386, MONDO:0015356.
Fanconi anemia complementation group O. Also called: RAD51C-Related Fanconi Anemia. Identifiers: Orphanet 84, MedGen C3150653, MONDO:0013248, OMIM 613390.

gnomAD v4.1: 1 of 1,611,062 alleles (0.000062%); highest among the groups gnomAD compares: Non-Finnish European, 0.000085%; no homozygotes.

Submissions (2):

Ambry Genetics
Classification: Likely benign for Hereditary cancer-predisposing syndrome. Last evaluated: 2025-09-24. Review status: criteria provided, single submitter. Criteria: Ambry Variant Classification Scheme 2023. Collection method: clinical testing. Allele origin: germline.

Labcorp Genetics (formerly Invitae), Labcorp
Classification: Uncertain significance for Fanconi anemia complementation group O. Last evaluated: 2025-07-23. Review status: criteria provided, single submitter. Criteria: Invitae Variant Classification Sherloc (09022015). Collection method: clinical testing. Allele origin: germline.
Comment: This sequence change replaces leucine, which is neutral and non-polar, with proline, which is neutral and non-polar, at codon 252 of the RAD51C protein (p.Leu252Pro). This variant is not present in population databases (gnomAD no frequency). This variant has not been reported in the literature in individuals affected with RAD51C-related conditions. ClinVar contains an entry for this variant (Variation ID: 3429720). Invitae Evidence Modeling of protein sequence and biophysical properties (such as structural, functional, and spatial information, amino acid conservation, physicochemical variation, residue mobility, and thermodynamic stability) indicates that this missense variant is not expected to disrupt RAD51C protein function with a negative predictive value of 80%. In summary, the available evidence is currently insufficient to determine the role of this variant in disease. Therefore, it has been classified as a Variant of Uncertain Significance.

NM_058216.3(RAD51C):c.755T>C (p.Leu252Pro)

Gene: RAD51C (RAD51 paralog C; plus strand). Cytogenetic location: 17q22.
Variant type: single nucleotide variant.
Coding change: c.755T>C on transcript NM_058216.3 (MANE Select); coding-DNA position 755, T replaced by C.
Protein change: p.Leu252Pro; replaces leucine 252 with proline.
Molecular consequence: missense variant. On other transcripts: non-coding transcript variant (1).
Genome position (GRCh38, 1-based): chr17:58,709,908, T>C. VCF-style: chr17-58709908-T-C. GRCh37 (hg19) VCF-style: chr17-56787269-T-C.
Other names: short protein forms L252P.
Identifiers: ClinVar variation 3429720 (VCV003429720.3).